The following is an entry in ClinVar:

ClinVar aggregate classification (germline): Benign (1 of 4 stars; one submission).

Allele frequency attached by ClinVar (database versions not stated): gnomAD exomes 0.11016; gnomAD 0.18197 and 0.18478; TOPMed 0.19450; 1000 Genomes Project 0.23842; 1000 Genomes Project 30x 0.24282.
gnomAD v4.1: 96,556 of 771,030 alleles (13%); highest among the groups gnomAD compares: African/African-American, 37%; 9,491 homozygotes.

Submission:

GeneDx
Classification: Benign. Last evaluated: 2018-06-18. Review status: criteria provided, single submitter. Criteria: GeneDx Variant Classification (06012015). Collection method: clinical testing. Allele origin: germline. Affected: yes.
Comment: This variant is considered likely benign or benign based on one or more of the following criteria: it is a conservative change, it occurs at a poorly conserved position in the protein, it is predicted to be benign by multiple in silico algorithms, and/or has population frequency not consistent with disease.

NM_001330078.2(NRXN1):c.3070+115C>A

Gene: NRXN1 (neurexin 1; minus strand). Cytogenetic location: 2p16.3.
Variant type: single nucleotide variant.
Coding change: c.3070+115C>A on transcript NM_001330078.2 (MANE Select); 115 bases into the intron after coding-DNA position 3070, C replaced by A.
Molecular consequence: intron variant.
Genome position (GRCh38, 1-based): chr2:50,495,790, G>T on the plus strand (C>A on the coding strand, the complement: NRXN1 is on the minus strand). VCF-style: chr2-50495790-G-T. GRCh37 (hg19) VCF-style: chr2-50722928-G-T.
Other names: c.2959+115C>A (NM_001330096.2, NM_001330087.2); c.3004+115C>A (NM_001330083.2, NM_001330084.2); c.2989+115C>A (NM_001330088.2); c.3067+115C>A (NM_001330093.2); c.3058+115C>A (NM_001330094.2); c.3019+115C>A (NM_001330095.2); c.3046+115C>A (NM_001330082.2, NM_001330077.2); c.3043+115C>A (NM_001330085.2); and 2 more.
Identifiers: ClinVar variation 674919 (VCV000674919.1), dbSNP rs2241175, ClinGen allele CA11335599.